The following is an entry in ClinVar:

NM_000023.4(SGCA):c.847G>C (p.Asp283His)

Gene: SGCA (sarcoglycan alpha; plus strand). Cytogenetic location: 17q21.33.
Variant type: single nucleotide variant.
Coding change: c.847G>C on transcript NM_000023.4 (MANE Select); coding-DNA position 847, G replaced by C.
Protein change: p.Asp283His; replaces aspartic acid 283 with histidine.
Molecular consequence: missense variant. On other transcripts: intron variant (1).
Genome position (GRCh38, 1-based): chr17:50,170,242, G>C. VCF-style: chr17-50170242-G-C. GRCh37 (hg19) VCF-style: chr17-48247603-G-C.
Other names: c.585-398G>C (NM_001135697.3); short protein forms D283H.
Identifiers: ClinVar variation 597864 (VCV000597864.10), dbSNP rs766674286, ClinGen allele CA291537082.
Genomic context (GRCh38, chr17:50,170,242, plus strand): 5'-ACCCCAGGTGATGGGATCCTGGAGCATGACCCGTTCTTCTGCCCACCCACTGAGGCCCCA[G>C]ACCGTGACTTCTTGGTGGATGCTCTGGTCACCCTCCTGGTGCCCCTGCTGGTGGCCCTGC-3'
Protein context (NP_000014.1, residues 273-293): PFFCPPTEAP[Asp283His]RDFLVDALVT

ClinVar aggregate classification (germline): Uncertain significance. Review status: criteria provided, multiple submitters, no conflicts (2 of 4 stars). 4 submissions from 4 submitters: Uncertain significance (3). 1 of the submissions does not count toward it. Last evaluated 2023-02-08.

Conditions:
Autosomal recessive limb-girdle muscular dystrophy type 2D (LGMDR3). Also called: ADHALINOPATHY, PRIMARY; DUCHENNE-LIKE AUTOSOMAL RECESSIVE MUSCULAR DYSTROPHY, TYPE 2; MUSCULAR DYSTROPHY, LIMB-GIRDLE, AUTOSOMAL RECESSIVE 3. Identifiers: Orphanet 62, MedGen C2936332, MONDO:0011968, OMIM 608099. Disease mechanism: Affects gamma-sarcoglycan and also disrupts the integrity of the entire sarcoglycan complex..

Allele frequency attached by ClinVar (database versions not stated): gnomAD exomes 0.00001; TOPMed 0.00006.
gnomAD v4.1: 64 of 1,614,082 alleles (0.004%); highest among the groups gnomAD compares: Non-Finnish European, 0.0053%; no homozygotes.

Submissions (4):

Genome-Nilou Lab
Classification: Uncertain significance for Autosomal recessive limb-girdle muscular dystrophy type 2D. Last evaluated: 2023-02-08. Review status: criteria provided, single submitter. Criteria: ACMG Guidelines, 2015. Collection method: clinical testing. Allele origin: germline.

Labcorp Genetics (formerly Invitae), Labcorp
Classification: Uncertain significance for Autosomal recessive limb-girdle muscular dystrophy type 2D. Last evaluated: 2021-08-26. Review status: criteria provided, single submitter. Criteria: Invitae Variant Classification Sherloc (09022015). Collection method: clinical testing. Allele origin: germline.
Comment: This sequence change replaces aspartic acid with histidine at codon 283 of the SGCA protein (p.Asp283His). The aspartic acid residue is weakly conserved and there is a moderate physicochemical difference between aspartic acid and histidine. This variant is not present in population databases (ExAC no frequency). This variant has not been reported in the literature in individuals affected with SGCA-related conditions. Algorithms developed to predict the effect of missense changes on protein structure and function (SIFT, PolyPhen-2, Align-GVGD) all suggest that this variant is likely to be tolerated. In summary, the available evidence is currently insufficient to determine the role of this variant in disease. Therefore, it has been classified as a Variant of Uncertain Significance.

Eurofins Ntd Llc (ga)
Classification: Uncertain significance. Last evaluated: 2018-07-03. Review status: criteria provided, single submitter. Criteria: EGL ClinVar v180209 classification definitions. Collection method: clinical testing. Allele origin: germline. Observed: 1 variant allele, 1 heterozygote.

Natera, Inc.
Classification: Uncertain significance for Limb-girdle muscular dystrophy type 2D. Last evaluated: 2019-11-11. Review status: no assertion criteria provided. Collection method: clinical testing. Allele origin: germline. Not counted in ClinVar's aggregate classification.